The following is an entry in ClinVar:

ClinVar aggregate classification (germline): Uncertain significance. Review status: criteria provided, multiple submitters, no conflicts (2 of 4 stars). 2 submissions from 2 submitters: Uncertain significance (2). Last evaluated 2025-08-12.

Conditions:
Cataract 36. Identifiers: MedGen C3151304, MONDO:0013484, OMIM 613887.
Inborn genetic diseases. Identifiers: MedGen C0950123, MeSH D030342.

Allele frequency attached by ClinVar (database versions not stated): gnomAD exomes 0.00001 and 0.00004; TOPMed 0.00003; ExAC 0.00004; gnomAD 0.00004.
gnomAD v4.1: 28 of 1,614,040 alleles (0.0017%); highest among the groups gnomAD compares: East Asian, 0.051%; no homozygotes.

Submissions (2):

Ambry Genetics
Classification: Uncertain significance for Inborn genetic diseases. Last evaluated: 2025-08-12. Review status: criteria provided, single submitter. Criteria: Ambry Variant Classification Scheme 2023. Collection method: clinical testing. Allele origin: germline.

Labcorp Genetics (formerly Invitae), Labcorp
Classification: Uncertain significance for Cataract 36. Last evaluated: 2022-09-13. Review status: criteria provided, single submitter. Criteria: Invitae Variant Classification Sherloc (09022015). Collection method: clinical testing. Allele origin: germline.
Comment: This sequence change replaces alanine, which is neutral and non-polar, with threonine, which is neutral and polar, at codon 958 of the TDRD7 protein (p.Ala958Thr). This variant is present in population databases (rs751158396, gnomAD 0.06%). This variant has not been reported in the literature in individuals affected with TDRD7-related conditions. ClinVar contains an entry for this variant (Variation ID: 1430858). Algorithms developed to predict the effect of missense changes on protein structure and function output the following: SIFT: "Tolerated"; PolyPhen-2: "Benign"; Align-GVGD: "Class C0". The threonine amino acid residue is found in multiple mammalian species, which suggests that this missense change does not adversely affect protein function. In summary, the available evidence is currently insufficient to determine the role of this variant in disease. Therefore, it has been classified as a Variant of Uncertain Significance.

NM_014290.3(TDRD7):c.2872G>A (p.Ala958Thr)

Gene: TDRD7 (tudor domain containing 7; plus strand). Cytogenetic location: 9q22.33.
Variant type: single nucleotide variant.
Coding change: c.2872G>A on transcript NM_014290.3 (MANE Select); coding-DNA position 2872, G replaced by A.
Protein change: p.Ala958Thr; replaces alanine 958 with threonine.
Molecular consequence: missense variant.
Genome position (GRCh38, 1-based): chr9:97,483,308, G>A. VCF-style: chr9-97483308-G-A. GRCh37 (hg19) VCF-style: chr9-100245590-G-A.
Other names: c.2872G>A (NM_014290.2); c.2650G>A, p.Ala884Thr (NM_001302884.2); short protein forms A958T, A884T.
Identifiers: ClinVar variation 1430858 (VCV001430858.7), dbSNP rs751158396, ClinGen allele CA5147021.